The following is an entry in ClinVar:

ClinVar aggregate classification (germline): Likely benign. Review status: criteria provided, multiple submitters, no conflicts (2 of 4 stars). 2 submissions from 2 submitters: Likely benign (2). Last evaluated 2026-02-01.

Conditions:
Joubert syndrome. Also called: JOUBERT-BOLTSHAUSER SYNDROME; Familial aplasia of the vermis. Identifiers: Orphanet 475, MedGen C5979921, MONDO:0018772.
Meckel-Gruber syndrome. Also called: DYSENCEPHALIA SPLANCHNOCYSTICA; GRUBER SYNDROME; Dysencephalia splachnocystica. Identifiers: Orphanet 564, MedGen C0265215, MONDO:0018921.

Allele frequency attached by ClinVar (database versions not stated): gnomAD exomes 0.00002; TOPMed 0.00002; ExAC 0.00005.
gnomAD v4.1: 5 of 1,578,406 alleles (0.00032%); highest among the groups gnomAD compares: Admixed American, 0.0073%; no homozygotes.

Submissions (2):

CeGaT Center for Human Genetics Tuebingen
Classification: Likely benign. Last evaluated: 2026-02-01. Review status: criteria provided, single submitter. Criteria: CeGaT Center For Human Genetics Tuebingen Variant Classification Criteria Version 2. Collection method: clinical testing. Allele origin: germline. Affected: yes. Observed: 1 variant allele.
Comment: CC2D2A: BP4, BP7

Labcorp Genetics (formerly Invitae), Labcorp
Classification: Likely benign for Joubert syndrome; Meckel-Gruber syndrome. Last evaluated: 2025-12-01. Review status: criteria provided, single submitter. Criteria: Invitae Variant Classification Sherloc (09022015). Collection method: clinical testing. Allele origin: germline.

NM_001378615.1(CC2D2A):c.2088A>G (p.Thr696=)

Genes: CC2D2A (coiled-coil and C2 domain containing 2A; plus strand), FBXL5 (F-box and leucine rich repeat protein 5; minus strand). Cytogenetic location: 4p15.32.
Variant type: single nucleotide variant.
Coding change: c.2088A>G on transcript NM_001378615.1 (MANE Select); coding-DNA position 2088, A replaced by G.
Protein change: p.Thr696=; no amino-acid change (threonine 696 retained).
Molecular consequence: synonymous variant.
Genome position (GRCh38, 1-based): chr4:15,540,921, A>G. VCF-style: chr4-15540921-A-G. GRCh37 (hg19) VCF-style: chr4-15542544-A-G.
Other names: c.2088A>G, p.Thr696= (NM_001080522.2); c.1941A>G, p.Thr647= (NM_001378617.1).
Identifiers: ClinVar variation 1392078 (VCV001392078.10), dbSNP rs760615867, ClinGen allele CA2863843.